The following is an entry in ClinVar:

ClinVar aggregate classification (germline): Uncertain significance (1 of 4 stars; one submission).

Submission:

GeneDx
Classification: Uncertain significance. Last evaluated: 2024-03-28. Review status: criteria provided, single submitter. Criteria: GeneDx Variant Classification Process June 2021. Collection method: clinical testing. Allele origin: germline. Affected: yes.
Comment: Occurs in the triple helical domain at the X position in the canonical Gly-X-Y repeat; although this variant may have an effect on normal protein folding and function, missense substitution at the X position is not a common mechanism of disease (HGMD); In silico analysis supports that this missense variant does not alter protein structure/function; Not observed at significant frequency in large population cohorts (gnomAD); Has not been previously published as pathogenic or benign to our knowledge

NM_000090.4(COL3A1):c.595T>C (p.Tyr199His)

Gene: COL3A1 (collagen type III alpha 1 chain; plus strand). Cytogenetic location: 2q32.2.
Variant type: single nucleotide variant.
Coding change: c.595T>C on transcript NM_000090.4 (MANE Select); coding-DNA position 595, T replaced by C.
Protein change: p.Tyr199His; replaces tyrosine 199 with histidine.
Molecular consequence: missense variant.
Genome position (GRCh38, 1-based): chr2:188,988,602, T>C. VCF-style: chr2-188988602-T-C. GRCh37 (hg19) VCF-style: chr2-189853328-T-C.
Other names: short protein forms Y199H.
Identifiers: ClinVar variation 3371328 (VCV003371328.1).